The following is an entry in ClinVar:

NM_031407.7(HUWE1):c.1698A>G (p.Val566=)

Gene: HUWE1 (HECT, UBA and WWE domain containing E3 ubiquitin protein ligase 1; minus strand). Cytogenetic location: Xp11.22.
Variant type: single nucleotide variant.
Coding change: c.1698A>G on transcript NM_031407.7 (MANE Select); coding-DNA position 1698, A replaced by G.
Protein change: p.Val566=; no amino-acid change (valine 566 retained).
Molecular consequence: synonymous variant.
Genome position (GRCh38, 1-based): chrX:53,617,421, T>C on the plus strand (A>G on the coding strand, the complement: HUWE1 is on the minus strand). VCF-style: chrX-53617421-T-C. GRCh37 (hg19) VCF-style: chrX-53644382-T-C.
Identifiers: ClinVar variation 2660634 (VCV002660634.24), dbSNP rs2527505189, ClinGen allele CA516437929.

ClinVar aggregate classification (germline): Likely benign (1 of 4 stars; one submission).

Submission:

CeGaT Center for Human Genetics Tuebingen
Classification: Likely benign. Last evaluated: 2023-03-01. Review status: criteria provided, single submitter. Criteria: CeGaT Center For Human Genetics Tuebingen Variant Classification Criteria Version 2. Collection method: clinical testing. Allele origin: germline. Affected: yes. Observed: 1 variant allele.
Comment: HUWE1: PM2:Supporting, BP4, BP7